The following is an entry in ClinVar:

ClinVar aggregate classification (germline): Uncertain significance (1 of 4 stars; one submission).

gnomAD v4.1: 3 of 1,613,860 alleles (0.00019%); highest among the groups gnomAD compares: Non-Finnish European, 0.00025%; no homozygotes.

Submission:

Ambry Genetics
Classification: Uncertain significance. Last evaluated: 2025-10-21. Review status: criteria provided, single submitter. Criteria: Ambry Variant Classification Scheme 2023. Collection method: clinical testing. Allele origin: germline.
Comment: The p.S495R variant (also known as c.1485C>G), located in coding exon 1 of the MLH3 gene, results from a C to G substitution at nucleotide position 1485. The serine at codon 495 is replaced by arginine, an amino acid with dissimilar properties. This amino acid position is poorly conserved in available vertebrate species. In addition, this alteration is predicted to be tolerated by in silico analysis. The evidence for this gene-disease relationship is limited; therefore, the clinical significance of this alteration is unclear.

NM_001040108.2(MLH3):c.1485C>G (p.Ser495Arg)

Gene: MLH3 (mutL homolog 3; minus strand). Cytogenetic location: 14q24.3.
Variant type: single nucleotide variant.
Coding change: c.1485C>G on transcript NM_001040108.2 (MANE Select); coding-DNA position 1485, C replaced by G.
Protein change: p.Ser495Arg; replaces serine 495 with arginine.
Molecular consequence: missense variant.
Genome position (GRCh38, 1-based): chr14:75,048,171, G>C on the plus strand (C>G on the coding strand, the complement: MLH3 is on the minus strand). VCF-style: chr14-75048171-G-C. GRCh37 (hg19) VCF-style: chr14-75514874-G-C.
Other names: c.1485C>G, p.Ser495Arg (NM_014381.3); short protein forms S495R.
Identifiers: ClinVar variation 4552046 (VCV004552046.1).